The following is an entry in ClinVar:

NM_001429.4(EP300):c.2766G>A (p.Ala922=)

Gene: EP300 (EP300 lysine acetyltransferase; plus strand). Cytogenetic location: 22q13.2.
Variant type: single nucleotide variant.
Coding change: c.2766G>A on transcript NM_001429.4 (MANE Select); coding-DNA position 2766, G replaced by A.
Protein change: p.Ala922=; no amino-acid change (alanine 922 retained).
Molecular consequence: synonymous variant.
Genome position (GRCh38, 1-based): chr22:41,150,147, G>A. VCF-style: chr22-41150147-G-A. GRCh37 (hg19) VCF-style: chr22-41546151-G-A.
Other names: c.2688G>A, p.Ala896= (NM_001362843.2).
Identifiers: ClinVar variation 1206737 (VCV001206737.9), dbSNP rs370810144, ClinGen allele CA10252939.

ClinVar aggregate classification (germline): Likely benign. Review status: criteria provided, multiple submitters, no conflicts (2 of 4 stars). 3 submissions from 3 submitters: Likely benign (3). Last evaluated 2025-05-19.

Conditions:
Rubinstein-Taybi syndrome due to EP300 haploinsufficiency. Also called: EP300-Related Rubinstein-Taybi Syndrome; RUBINSTEIN-TAYBI SYNDROME 2. Identifiers: Orphanet 353284, Orphanet 783, MedGen C3150941, MONDO:0013364, OMIM 613684.
EP300-related disorder. Also called: EP300-related condition; EP300-related disorders.

Allele frequency attached by ClinVar (database versions not stated): gnomAD 0.00002; gnomAD exomes 0.00002 and 0.00006; TOPMed 0.00002; ExAC 0.00003; ESP Exome Variant Server 0.00008.
gnomAD v4.1: 90 of 1,611,896 alleles (0.0056%); highest among the groups gnomAD compares: Non-Finnish European, 0.007%; no homozygotes.

Submissions (3):

Labcorp Genetics (formerly Invitae), Labcorp
Classification: Likely benign for Rubinstein-Taybi syndrome due to EP300 haploinsufficiency. Last evaluated: 2025-05-19. Review status: criteria provided, single submitter. Criteria: Invitae Variant Classification Sherloc (09022015). Collection method: clinical testing. Allele origin: germline.

PreventionGenetics, part of Exact Sciences
Classification: Likely benign for EP300-related condition. Last evaluated: 2025-02-09. Review status: criteria provided, single submitter. Criteria: ACMG Guidelines, 2015. Collection method: clinical testing. Allele origin: germline.
Comment: This variant is classified as likely benign based on ACMG/AMP sequence variant interpretation guidelines (Richards et al. 2015 PMID: 25741868, with internal and published modifications).

GeneDx
Classification: Likely benign. Last evaluated: 2020-08-28. Review status: criteria provided, single submitter. Criteria: GeneDx Variant Classification Process June 2021. Collection method: clinical testing. Allele origin: germline. Affected: yes.